The following is an entry in ClinVar:

NM_000466.3(PEX1):c.3085G>T (p.Asp1029Tyr)

Genes: GATAD1 (GATA zinc finger domain containing 1; plus strand), PEX1 (peroxisomal biogenesis factor 1; minus strand). Cytogenetic location: 7q21.2.
Variant type: single nucleotide variant.
Coding change: c.3085G>T on transcript NM_000466.3 (MANE Select); coding-DNA position 3085, G replaced by T.
Protein change: p.Asp1029Tyr; replaces aspartic acid 1029 with tyrosine.
Molecular consequence: missense variant.
Genome position (GRCh38, 1-based): chr7:92,493,075, C>A on the plus strand (G>T on the coding strand, the complement: PEX1 is on the minus strand). VCF-style: chr7-92493075-C-A. GRCh37 (hg19) VCF-style: chr7-92122389-C-A.
Other names: c.2914G>T, p.Asp972Tyr (NM_001282677.2); c.2461G>T, p.Asp821Tyr (NM_001282678.2); short protein forms D1029Y, D821Y, D972Y.
Identifiers: ClinVar variation 1805328 (VCV001805328.1), dbSNP rs1281764473, ClinGen allele CA368166810.

ClinVar aggregate classification (germline): Uncertain significance (1 of 4 stars; one submission).

Conditions:
Peroxisome biogenesis disorder due to PEX1 defect. Identifiers: MedGen CN305475, MONDO:0100259.

Allele frequency attached by ClinVar (database versions not stated): gnomAD exomes below 0.00001.
gnomAD v4.1: 2 of 1,612,930 alleles (0.00012%); highest among the groups gnomAD compares: Non-Finnish European, 0.00017%; no homozygotes.

Submission:

Victorian Clinical Genetics Services, Murdoch Childrens Research Institute
Classification: Uncertain significance for Peroxisome biogenesis disorder due to PEX1 defect. Last evaluated: 2020-05-21. Review status: criteria provided, single submitter. Criteria: ACMG Guidelines, 2015. Collection method: clinical testing. Allele origin: germline. Inheritance: Autosomal recessive inheritance. Affected: yes.
Comment: Based on the classification scheme VCGS_Germline_v1.1.1, this variant is classified as VUS with POTENTIAL CLINICAL RELEVANCE. Following criteria are met: 0102 - Loss-of-function is a known mechanism of disease for this gene. (N) 0106 - This gene is known to be associated with autosomal recessive disease. (N) 0200 - Variant is predicted to result in a missense amino acid change from aspartic acid to tyrosine (exon 20). (N) 0251 - Variant is heterozygous. (N) 0301 - Variant is absent from gnomAD. (P) 0501 - Missense variant consistently predicted to be damaging by multiple in silico tools or highly conserved with a major amino acid change. (P) 0600 - Variant is located in an annotated domain or motif (AAA family ATPase, CDC48 subfamily; NCBI). (N) 0705 - No comparable variants have previous evidence for pathogenicity. (N) 0807 - Variant has not previously been reported in a clinical context. (N) 0905 - No segregation evidence has been identified for this variant. (N) 1007 - No published functional evidence has been identified for this variant. (N) 1208 - Inheritance information for this variant is not currently available. (N) Legend: (P) - Pathogenic, (N) - Neutral, (B) - Benign